The following is an entry in ClinVar:

NM_001197104.2(KMT2A):c.5287C>T (p.Arg1763Trp)

Gene: KMT2A (lysine methyltransferase 2A; plus strand). Cytogenetic location: 11q23.3.
Variant type: single nucleotide variant.
Coding change: c.5287C>T on transcript NM_001197104.2 (MANE Select); coding-DNA position 5287, C replaced by T.
Protein change: p.Arg1763Trp; replaces arginine 1763 with tryptophan.
Molecular consequence: missense variant.
Genome position (GRCh38, 1-based): chr11:118,494,396, C>T. VCF-style: chr11-118494396-C-T. GRCh37 (hg19) VCF-style: chr11-118365111-C-T.
Other names: c.5278C>T, p.Arg1760Trp (NM_005933.4); short protein forms R1763W, R1760W.
Identifiers: ClinVar variation 373228 (VCV000373228.5), dbSNP rs999060359, ClinGen allele CA16042815.

ClinVar aggregate classification (germline): Uncertain significance. Review status: criteria provided, multiple submitters, no conflicts (2 of 4 stars). 3 submissions from 3 submitters: Uncertain significance (3). Last evaluated 2025-09-01.

Allele frequency attached by ClinVar (database versions not stated): TOPMed below 0.00001; gnomAD 0.00001.
gnomAD v4.1: 14 of 1,507,862 alleles (0.00093%); highest among the groups gnomAD compares: Non-Finnish European, 0.0012%; no homozygotes.

Submissions (3):

Labcorp Genetics (formerly Invitae), Labcorp
Classification: Uncertain significance. Last evaluated: 2025-09-01. Review status: criteria provided, single submitter. Criteria: Invitae Variant Classification Sherloc (09022015). Collection method: clinical testing. Allele origin: germline.
Comment: This sequence change replaces arginine, which is basic and polar, with tryptophan, which is neutral and slightly polar, at codon 1763 of the KMT2A protein (p.Arg1763Trp). This variant is present in population databases (no rsID available, gnomAD 0.007%). This variant has not been reported in the literature in individuals affected with KMT2A-related conditions. ClinVar contains an entry for this variant (Variation ID: 373228). An algorithm developed to predict the effect of missense changes on protein structure and function (PolyPhen-2) suggests that this variant is likely to be disruptive. In summary, the available evidence is currently insufficient to determine the role of this variant in disease. Therefore, it has been classified as a Variant of Uncertain Significance.

Blueprint Genetics
Classification: Uncertain significance. Last evaluated: 2018-10-11. Review status: criteria provided, single submitter. Criteria: ACMG Guidelines, 2015. Collection method: clinical testing. Allele origin: germline.

GeneDx
Classification: Uncertain significance. Last evaluated: 2016-11-18. Review status: criteria provided, single submitter. Criteria: GeneDx Variant Classification (06012015). Collection method: clinical testing. Allele origin: germline. Affected: yes.
Comment: The R1763W variant in the KMT2A gene has not been reported previously as a pathogenic variant, nor as a benign variant, to our knowledge. The R1763W variant was not observed in approximately 6500 individuals of European and African American ancestry in the NHLBI Exome Sequencing Project, indicating it is not a common benign variant in these populations. The R1763W variant is a non-conservative amino acid substitution, which is likely to impact secondary protein structure as these residues differ in polarity, charge, size and/or other properties. This substitution occurs at a position that is conserved across species. In silico analysis predicts this amino acid substitution is probably damaging to the protein structure/function. As an alternate mechanism, c.5287 C>T (aka R1763W) may destroy or damage the natural splice donor site of intron 17. We interpret R1763W as a variant of uncertain significance.